The following is an entry in ClinVar:

NM_001386795.1(DTNA):c.1297C>T (p.His433Tyr)

Gene: DTNA (dystrobrevin alpha; plus strand). Cytogenetic location: 18q12.1.
Variant type: single nucleotide variant.
Coding change: c.1297C>T on transcript NM_001386795.1 (MANE Select); coding-DNA position 1297, C replaced by T.
Protein change: p.His433Tyr; replaces histidine 433 with tyrosine.
Molecular consequence: missense variant. On other transcripts: intron variant (33).
Genome position (GRCh38, 1-based): chr18:34,838,788, C>T. VCF-style: chr18-34838788-C-T. GRCh37 (hg19) VCF-style: chr18-32418752-C-T.
Other names: p.H403Y:CAT>TAT; c.343C>T, p.His115Tyr (NM_001198942.1); c.1297C>T, p.His433Tyr (NM_001386788.1); c.1216C>T, p.His406Tyr (NM_001390.5, NM_001391.5); c.1207C>T, p.His403Tyr (NM_032978.7); c.1095-9508C>T (NM_032975.4, NM_001386761.1, NM_001386762.1 and 1 more transcripts); c.1175+9299C>T (NM_001386754.1, NM_001386755.1, NM_001386760.1 and 5 more transcripts); c.1086-9508C>T (NM_001386763.1, NM_001386764.1, NM_001386768.1 and 13 more transcripts); and 5 more; short protein forms H406Y, H403Y, H115Y, H433Y.
Identifiers: ClinVar variation 46431 (VCV000046431.87), dbSNP rs139872140, ClinGen allele CA138350.
Genomic context (GRCh38, chr18:34,838,788, plus strand): 5'-CCCCTGCCCTGTTTCAGGATACAGTACAGCCTGAATGTGGCAGACAGGCTAGCTGATGAA[C>T]ATGTTCTCATCGGGTTGTATGTCAACATGCTCCGGAACAACCCCTCATGGTTAGTGCAGG-3'
Protein context (NP_001373724.1, residues 423-443): LNVADRLADE[His433Tyr]VLIGLYVNML

ClinVar aggregate classification (germline): Conflicting classifications of pathogenicity. Review status: criteria provided, conflicting classifications (1 of 4 stars). 11 submissions from 11 submitters: Uncertain significance (2); Benign (1); Likely benign (5). 3 of the submissions do not count toward it. Last evaluated 2026-06-01.

Conditions:
DTNA-related disorder. Also called: DTNA-related condition.
Left ventricular noncompaction 1 (LVNC1). Also called: LEFT VENTRICULAR NONCOMPACTION 1 WITH OR WITHOUT CONGENITAL HEART DEFECTS. Identifiers: Orphanet 54260, MedGen C1858725, MONDO:0011403, OMIM 604169.

Allele frequency attached by ClinVar (database versions not stated): 1000 Genomes Project 0.00120; 1000 Genomes Project 30x 0.00141; gnomAD exomes 0.00143 and 0.00229; gnomAD 0.00207 and 0.00203; ESP Exome Variant Server 0.00208; ExAC 0.00129; TOPMed 0.00273.

Submissions (11):

CeGaT Center for Human Genetics Tuebingen
Classification: Likely benign. Last evaluated: 2026-06-01. Review status: criteria provided, single submitter. Criteria: CeGaT Center For Human Genetics Tuebingen Variant Classification Criteria Version 2. Collection method: clinical testing. Allele origin: germline. Affected: yes. Observed: 5 variant alleles.
Comment: DTNA: BS1

Labcorp Genetics (formerly Invitae), Labcorp
Classification: Likely benign for Left ventricular noncompaction 1. Last evaluated: 2026-01-12. Review status: criteria provided, single submitter. Criteria: Invitae Variant Classification Sherloc (09022015). Collection method: clinical testing. Allele origin: germline.

Blueprint Genetics
Classification: Likely benign. Last evaluated: 2024-11-18. Review status: criteria provided, single submitter. Criteria: ACMG Guidelines, 2015. Collection method: clinical testing. Allele origin: germline.

ARUP Laboratories, Molecular Genetics and Genomics, ARUP Laboratories
Classification: Uncertain significance for Left ventricular noncompaction 1. Last evaluated: 2020-07-24. Review status: criteria provided, single submitter. Criteria: ARUP Molecular Germline Variant Investigation Process. Collection method: clinical testing. Allele origin: germline.
Comment: The DTNA c.1216C>T; p.His406Tyr variant (rs139872140), to our knowledge, is not reported in the medical literature but is reported in ClinVar (Variation ID: 46431). This variant is found in the non-Finnish European population with an overall allele frequency of 0.23% (297/129112 alleles) in the Genome Aggregation Database. While this population frequency may be inconsistent with disease, the prevalence of left ventricular non-compaction in the general population is disputed and may be higher than expected (Ross 2020). The histidine at codon 406 is moderately conserved, and computational analyses (SIFT, PolyPhen-2) predict that this variant is deleterious. Due to limited information, the clinical significance of the p.His406Tyr variant is uncertain at this time. References: Ross SB et al. A systematic review and meta-analysis of the prevalence of left ventricular non-compaction in adults. Eur Heart J. 2020;41(14):1428-1436.

Women's Health and Genetics/Laboratory Corporation of America, LabCorp
Classification: Benign. Last evaluated: 2018-05-29. Review status: criteria provided, single submitter. Criteria: LabCorp Variant Classification Summary - May 2015. Collection method: clinical testing. Allele origin: germline.
Comment: Variant summary: DTNA c.1216C>T (p.His406Tyr) results in a conservative amino acid change in the encoded protein sequence. Three of five in-silico tools predict a damaging effect of the variant on protein function. The variant allele was found at a frequency of 0.0014 in 277106 control chromosomes (gnomAD). The observed variant frequency is approximately 57-folds higher than the estimated maximal expected allele frequency for a pathogenic variant in DTNA causing Cardiomyopathy phenotype (2.5e-05), strongly suggesting that the variant is benign. To our knowledge, no occurrence of c.1216C>T in individuals affected with Cardiomyopathy and no experimental evidence demonstrating its impact on protein function have been reported. No clinical diagnostic laboratories have submitted clinical-significance assessments for this variant to ClinVar after 2014. Based on the evidence outlined above, the variant was classified as benign.

GeneDx
Classification: Likely benign. Last evaluated: 2018-03-01. Review status: criteria provided, single submitter. Criteria: GeneDx Variant Classification (06012015). Collection method: clinical testing. Allele origin: germline. Affected: yes.
Comment: This variant is considered likely benign or benign based on one or more of the following criteria: it is a conservative change, it occurs at a poorly conserved position in the protein, it is predicted to be benign by multiple in silico algorithms, and/or has population frequency not consistent with disease.

Laboratory for Molecular Medicine, Mass General Brigham Personalized Medicine
Classification: Likely benign. Last evaluated: 2015-05-26. Review status: criteria provided, single submitter. Criteria: LMM Criteria. Collection method: clinical testing. Allele origin: germline. Observed: 16 variant alleles.
Comment: p.His403Tyr in exon 12C of DTNA: This variant is not expected to have clinical s ignificance because it has been identified in 0.2% (137/66688) of European chrom osomes and 0.1% (12/11538) of Latino chromosomes by the Exome Aggregation Consor tium (ExAC; dbSNP rs139872140).

Biesecker Lab/Clinical Genomics Section, National Institutes of Health
Classification: Uncertain significance. Last evaluated: 2013-06-24. Review status: criteria provided, single submitter. Criteria: Ng et al. (Circ Cardiovasc Genet. 2013). Collection method: research. Allele origin: unknown. Observed: 4 variant alleles. Study: ClinSeq.
Comment: The study set was not selected for affection status in relation to any cancer. Pathogenicity categories were based on literature curation. See Pubmed ID:23861362 for details.

Medical sequencing

PreventionGenetics, part of Exact Sciences
Classification: Likely benign for DTNA-related condition. Last evaluated: 2019-11-01. Review status: no assertion criteria provided. Collection method: clinical testing. Allele origin: germline. Not counted in ClinVar's aggregate classification.
Comment: This variant is classified as likely benign based on ACMG/AMP sequence variant interpretation guidelines (Richards et al. 2015 PMID: 25741868, with internal and published modifications).

Clinical Genetics DNA and cytogenetics Diagnostics Lab, Erasmus MC, Erasmus Medical Center
Classification: Likely benign. Review status: no assertion criteria provided. Collection method: clinical testing. Allele origin: germline. Affected: yes. Study: VKGL Data-share Consensus. Not counted in ClinVar's aggregate classification.

Genome Diagnostics Laboratory, University Medical Center Utrecht
Classification: Likely benign. Review status: no assertion criteria provided. Collection method: clinical testing. Allele origin: germline. Affected: yes. Study: VKGL Data-share Consensus. Not counted in ClinVar's aggregate classification.